The following is an entry in ClinVar:

ClinVar aggregate classification (germline): Uncertain significance (1 of 4 stars; one submission).

Conditions:
Muscular dystrophy-dystroglycanopathy (congenital with brain and eye anomalies), type A, 7. Also called: WALKER-WARBURG SYNDROME OR MUSCLE-EYE-BRAIN DISEASE, ISPD-RELATED; Congenital muscular dystrophy-dystroglycanopathy with brain and eye anomalies, type A7. Identifiers: Orphanet 899, MedGen C3553330, MONDO:0013835, OMIM 614643.
Autosomal recessive limb-girdle muscular dystrophy type 2U. Also called: Muscular dystrophy-dystroglycanopathy (limb-girdle), type c, 7; MUSCULAR DYSTROPHY, LIMB-GIRDLE, TYPE 2U. Identifiers: Orphanet 352479, MedGen C5190987, MONDO:0014474, OMIM 616052.

Submission:

Labcorp Genetics (formerly Invitae), Labcorp
Classification: Uncertain significance for Muscular dystrophy-dystroglycanopathy (congenital with brain and eye anomalies), type A, 7; Autosomal recessive limb-girdle muscular dystrophy type 2U. Last evaluated: 2022-06-19. Review status: criteria provided, single submitter. Criteria: Invitae Variant Classification Sherloc (09022015). Collection method: clinical testing. Allele origin: germline.
Comment: In summary, the available evidence is currently insufficient to determine the role of this variant in disease. Therefore, it has been classified as a Variant of Uncertain Significance. Experimental studies and prediction algorithms are not available or were not evaluated, and the functional significance of this variant is currently unknown. This variant has not been reported in the literature in individuals affected with ISPD-related conditions. This variant results in a copy number gain of the genomic region encompassing exon(s) 1-5 of the ISPD gene. This region includes the initiator codon of the gene. This copy number gain extends beyond the assayed region for this gene and therefore may encompass additional genes. As the precise location of this event is unknown, it may be in tandem or it may be located elsewhere in the genome.

NC_000007.13:g.(?_16341026)_(16460947_?)dup

Gene: CRPPA (CDP-L-ribitol pyrophosphorylase A; minus strand). Cytogenetic location: 7p21.2.
Variant type: Duplication.
Identifiers: ClinVar variation 2423712 (VCV002423712.5).